The following is an entry in ClinVar:

NM_012213.3(MLYCD):c.1151G>T (p.Trp384Leu)

Gene: MLYCD (malonyl-CoA decarboxylase; plus strand). Cytogenetic location: 16q23.3.
Variant type: single nucleotide variant.
Coding change: c.1151G>T on transcript NM_012213.3 (MANE Select); coding-DNA position 1151, G replaced by T.
Protein change: p.Trp384Leu; replaces tryptophan 384 with leucine.
Molecular consequence: missense variant.
Genome position (GRCh38, 1-based): chr16:83,915,158, G>T. VCF-style: chr16-83915158-G-T. GRCh37 (hg19) VCF-style: chr16-83948763-G-T.
Other names: short protein forms W384L.
Identifiers: ClinVar variation 2392970 (VCV002392970.2), dbSNP rs753847742, ClinGen allele CA8197523.

ClinVar aggregate classification (germline): Uncertain significance (1 of 4 stars; one submission).

Conditions:
Inborn genetic diseases. Identifiers: MedGen C0950123, MeSH D030342.

Allele frequency attached by ClinVar (database versions not stated): ExAC 0.00002; gnomAD 0.00002; gnomAD exomes 0.00002; TOPMed 0.00002.

Submission:

Ambry Genetics
Classification: Uncertain significance for Inborn genetic diseases. Last evaluated: 2021-04-07. Review status: criteria provided, single submitter. Criteria: Ambry Variant Classification Scheme 2023. Collection method: clinical testing. Allele origin: germline.
Comment: The c.1151G>T (p.W384L) alteration is located in exon 5 (coding exon 5) of the MLYCD gene. This alteration results from a G to T substitution at nucleotide position 1151, causing the tryptophan (W) at amino acid position 384 to be replaced by a leucine (L). The in silico prediction for the p.W384L alteration is inconclusive. Based on insufficient or conflicting evidence, the clinical significance of this alteration remains unclear.